The following is an entry in ClinVar:

NM_001270.4(CHD1):c.1801-7T>C

Gene: CHD1 (chromodomain helicase DNA binding protein 1; minus strand). Cytogenetic location: 5q15.
Variant type: single nucleotide variant.
Coding change: c.1801-7T>C on transcript NM_001270.4 (MANE Select); 7 bases into the intron before coding-DNA position 1801, T replaced by C.
Molecular consequence: intron variant.
Genome position (GRCh38, 1-based): chr5:98,893,613, A>G on the plus strand (T>C on the coding strand, the complement: CHD1 is on the minus strand). VCF-style: chr5-98893613-A-G. GRCh37 (hg19) VCF-style: chr5-98229317-A-G.
Other names: c.1801-7T>C (NM_001376194.2, NM_001364113.3).
Identifiers: ClinVar variation 3772312 (VCV003772312.13).

ClinVar aggregate classification (germline): Uncertain significance (1 of 4 stars; one submission).

Submission:

CeGaT Center for Human Genetics Tuebingen
Classification: Uncertain significance. Last evaluated: 2025-01-01. Review status: criteria provided, single submitter. Criteria: CeGaT Center For Human Genetics Tuebingen Variant Classification Criteria Version 2. Collection method: clinical testing. Allele origin: germline. Affected: yes. Observed: 1 variant allele.
Comment: CHD1: PM2, BP4